The following is an entry in ClinVar:

NM_004415.4(DSP):c.2877+6T>C

Gene: DSP (desmoplakin; plus strand). Cytogenetic location: 6p24.3.
Variant type: single nucleotide variant.
Coding change: c.2877+6T>C on transcript NM_004415.4 (MANE Select); 6 bases into the intron after coding-DNA position 2877, T replaced by C.
Molecular consequence: intron variant.
Genome position (GRCh38, 1-based): chr6:7,577,048, T>C. VCF-style: chr6-7577048-T-C. GRCh37 (hg19) VCF-style: chr6-7577281-T-C.
Other names: c.2877+6T>C (NM_001319034.2, NM_001008844.3).
Identifiers: ClinVar variation 3761666 (VCV003761666.2).
Genomic context (GRCh38, chr6:7,577,048, plus strand): 5'-AGACAAATCAGAGGAAGTACAAAAAATTGCTGAACTTTGCGCCAATTCAATTAAGGTATG[T>C]TGGTTTCATAAAGAATGTTGGTATTTCACCAAGATTATTATTAACTGCATGACTTGCTGA-3'

ClinVar aggregate classification (germline): Uncertain significance (1 of 4 stars; one submission).

Conditions:
Arrhythmogenic cardiomyopathy with wooly hair and keratoderma. Also called: Arrhythmogenic cardiomyopathy with woolly hair and keratoderma; PALMOPLANTAR KERATODERMA WITH LEFT VENTRICULAR CARDIOMYOPATHY AND WOOLLY HAIR; Carvajal syndrome; Dilated cardiomyopathy with woolly hair and keratoderma. Identifiers: Orphanet 65282, MedGen C1854063, MONDO:0011581, OMIM 605676.
Arrhythmogenic right ventricular dysplasia 8 (ARVD8). Also called: Arrhythmogenic Right Ventricular Dysplasia/Cardiomyopathy 8; ARRHYTHMOGENIC RIGHT VENTRICULAR DYSPLASIA, FAMILIAL, 8; ARRHYTHMOGENIC RIGHT VENTRICULAR CARDIOMYOPATHY 8. Identifiers: MedGen C1843896, MONDO:0011831, OMIM 607450.

gnomAD v4.1: 1 of 1,604,158 alleles (0.000062%); highest among the groups gnomAD compares: Non-Finnish European, 0.000085%; no homozygotes.

Submission:

Labcorp Genetics (formerly Invitae), Labcorp
Classification: Uncertain significance for Arrhythmogenic cardiomyopathy with wooly hair and keratoderma; Arrhythmogenic right ventricular dysplasia 8. Last evaluated: 2024-09-24. Review status: criteria provided, single submitter. Criteria: Invitae Variant Classification Sherloc (09022015). Collection method: clinical testing. Allele origin: germline.
Comment: This sequence change falls in intron 20 of the DSP gene. It does not directly change the encoded amino acid sequence of the DSP protein. It affects a nucleotide within the consensus splice site. This variant is not present in population databases (gnomAD no frequency). This variant has not been reported in the literature in individuals affected with DSP-related conditions. Variants that disrupt the consensus splice site are a relatively common cause of aberrant splicing (PMID: 17576681, 9536098). Algorithms developed to predict the effect of sequence changes on RNA splicing suggest that this variant is not likely to affect RNA splicing. In summary, the available evidence is currently insufficient to determine the role of this variant in disease. Therefore, it has been classified as a Variant of Uncertain Significance.

Literature cited by the submitters: PubMed 17576681; PubMed 9536098.